The following is an entry in ClinVar:

NM_002528.7(NTHL1):c.530A>G (p.Lys177Arg)

Gene: NTHL1 (nth like DNA glycosylase 1; minus strand). Cytogenetic location: 16p13.3.
Variant type: single nucleotide variant.
Coding change: c.530A>G on transcript NM_002528.7 (MANE Select); coding-DNA position 530, A replaced by G.
Protein change: p.Lys177Arg; replaces lysine 177 with arginine.
Molecular consequence: missense variant.
Genome position (GRCh38, 1-based): chr16:2,043,722, T>C on the plus strand (A>G on the coding strand, the complement: NTHL1 is on the minus strand). VCF-style: chr16-2043722-T-C. GRCh37 (hg19) VCF-style: chr16-2093723-T-C.
Other names: c.359A>G, p.Lys120Arg (NM_001318193.2); c.200A>G, p.Lys67Arg (NM_001318194.2); short protein forms K120R, K177R, K67R.
Identifiers: ClinVar variation 1002124 (VCV001002124.13), dbSNP rs1463175465, ClinGen allele CA394292597.
Genomic context (GRCh38, chr16:2,043,722, plus strand): 5'-GGGATGTCCCCACCGTAGTGCTGCTGCAGGATGGCGCTGGTCTGCTTGATGTATTTCACC[T>C]TGCTCTGAAAGACAGGGGTGGGTTCAGCCTTGGAGGCAAGGGCACAGCCCAACCTGGGAG-3'
Protein context (NP_002519.2, residues 167-187): LIYPVGFWRS[Lys177Arg]VKYIKQTSAI

ClinVar aggregate classification (germline): Uncertain significance. Review status: criteria provided, multiple submitters, no conflicts (2 of 4 stars). 3 submissions from 3 submitters: Uncertain significance (3). Last evaluated 2025-05-30.

Conditions:
Familial adenomatous polyposis 3. Also called: NTHL1-related attenuated familial adenomatous polyposis; NTHL1 Tumor Syndrome; NTHL1-associated polyposis; NTHL1-Related Adenomatous Polyposis and Colorectal Cancer. Identifiers: Orphanet 220460, Orphanet 454840, MedGen C4225157, MONDO:0014630, OMIM 616415.
Hereditary cancer-predisposing syndrome. Also called: Neoplastic Syndromes, Hereditary; Hereditary Cancer Syndrome; Hereditary neoplastic syndrome; Tumor predisposition. Identifiers: Orphanet 140162, MedGen C0027672, MeSH D009386, MONDO:0015356.

Allele frequency attached by ClinVar (database versions not stated): gnomAD exomes below 0.00001 and 0.00001; TOPMed 0.00001.
gnomAD v4.1: 10 of 1,611,668 alleles (0.00062%); highest among the groups gnomAD compares: Admixed American, 0.0033%; no homozygotes.

Submissions (3):

Ambry Genetics
Classification: Uncertain significance for Hereditary cancer-predisposing syndrome. Last evaluated: 2025-05-30. Review status: criteria provided, single submitter. Criteria: Ambry Variant Classification Scheme 2023. Collection method: clinical testing. Allele origin: germline.
Comment: The p.K185R variant (also known as c.554A>G), located in coding exon 4 of the NTHL1 gene, results from an A to G substitution at nucleotide position 554. The lysine at codon 185 is replaced by arginine, an amino acid with highly similar properties. This alteration was identified in an individual diagnosed with breast cancer (Li N et al. NPJ Breast Cancer, 2021 May;7:52). This amino acid position is highly conserved in available vertebrate species. In addition, this alteration is predicted to be deleterious by in silico analysis. Based on the available evidence, the clinical significance of this variant remains unclear.

Labcorp Genetics (formerly Invitae), Labcorp
Classification: Uncertain significance. Last evaluated: 2025-04-28. Review status: criteria provided, single submitter. Criteria: Invitae Variant Classification Sherloc (09022015). Collection method: clinical testing. Allele origin: germline.
Comment: This sequence change replaces lysine, which is basic and polar, with arginine, which is basic and polar, at codon 185 of the NTHL1 protein (p.Lys185Arg). This variant is present in population databases (no rsID available, gnomAD 0.003%). This missense change has been observed in individual(s) with breast cancer (PMID: 33980861). ClinVar contains an entry for this variant (Variation ID: 1002124). An algorithm developed to predict the effect of missense changes on protein structure and function (PolyPhen-2) suggests that this variant is likely to be disruptive. Algorithms developed to predict the effect of sequence changes on RNA splicing suggest that this variant may create or strengthen a splice site. In summary, the available evidence is currently insufficient to determine the role of this variant in disease. Therefore, it has been classified as a Variant of Uncertain Significance.

Baylor Genetics
Classification: Uncertain significance for Familial adenomatous polyposis 3. Last evaluated: 2023-10-08. Review status: criteria provided, single submitter. Criteria: ACMG Guidelines, 2015. Collection method: clinical testing. Allele origin: unknown.

Literature cited by the submitters: PubMed 33980861 (cited by Ambry Genetics and Labcorp Genetics (formerly Invitae), Labcorp).